The following is an entry in ClinVar:

ClinVar aggregate classification (germline): Benign. Review status: criteria provided, multiple submitters, no conflicts (2 of 4 stars). 3 submissions from 3 submitters: Benign (3). Last evaluated 2024-07-15.

Allele frequency attached by ClinVar (database versions not stated): 1000 Genomes Project 0.09105; 1000 Genomes Project 30x 0.09197; TOPMed 0.13044; gnomAD 0.14093 and 0.14131; ESP Exome Variant Server 0.14885; gnomAD exomes 0.14996; ExAC 0.15253.
gnomAD v4.1: 278,596 of 1,612,258 alleles (17%); highest among the groups gnomAD compares: Non-Finnish European, 19%; 25,788 homozygotes.

Submissions (3):

Unidad de Genómica Garrahan, Hospital de Pediatría Garrahan
Classification: Benign. Last evaluated: 2024-07-15. Review status: criteria provided, single submitter. Criteria: ACMG Guidelines, 2015. Collection method: clinical testing. Allele origin: germline. Affected: no. Observed: 25 variant alleles.
Comment: This variant is classified as Benign based on local population frequency. This variant was detected in 27% of patients studied in a panel designed for Epileptic and Developmental Encephalopathy and Progressive Myoclonus Epilepsy. Number of patients: 25. Only high quality variants are reported.

GeneDx
Classification: Benign. Last evaluated: 2018-11-10. Review status: criteria provided, single submitter. Criteria: GeneDx Variant Classification Process June 2021. Collection method: clinical testing. Allele origin: germline. Affected: yes.

Breakthrough Genomics
Classification: Benign. Review status: criteria provided, single submitter. Criteria: ACMG Guidelines, 2015. Collection method: not provided. Allele origin: germline. Inheritance: Unknown mechanism. Affected: yes.

NM_003661.4(APOL1):c.-19-27G>A

Gene: APOL1 (apolipoprotein L1; plus strand). Cytogenetic location: 22q12.3.
Variant type: single nucleotide variant.
Coding change: c.-19-27G>A on transcript NM_003661.4 (MANE Select); 27 bases into the intron before 19 bases upstream of the start codon, G replaced by A.
Molecular consequence: intron variant. On other transcripts: 5 prime UTR variant (2).
Genome position (GRCh38, 1-based): chr22:36,254,910, G>A. VCF-style: chr22-36254910-G-A. GRCh37 (hg19) VCF-style: chr22-36650956-G-A.
Other names: c.-46G>A (NM_001136540.2, NM_001362927.2); c.30-27G>A (NM_145343.3); c.-19-27G>A (NM_001136541.2).
Identifiers: ClinVar variation 1290711 (VCV001290711.6), dbSNP rs9610468, ClinGen allele CA10208440.